The following is an entry in ClinVar:

ClinVar aggregate classification (germline): Likely benign. Review status: criteria provided, multiple submitters, no conflicts (2 of 4 stars). 2 submissions from 2 submitters: Likely benign (2). Last evaluated 2017-04-27.

Conditions:
Joubert syndrome 1 (JBTS1). Also called: Cerebellooculorenal syndrome 1; CEREBELLOPARENCHYMAL DISORDER IV. Identifiers: MedGen C4551568, MONDO:0008944, OMIM 213300.

Allele frequency attached by ClinVar (database versions not stated): gnomAD exomes 0.09950; 1000 Genomes Project 30x 0.12883; TOPMed 0.12215; 1000 Genomes Project 0.12780; gnomAD 0.10951 and 0.11321.
gnomAD v4.1: 17,243 of 152,640 alleles (11%); highest among the groups gnomAD compares: Admixed American, 20%; 1,179 homozygotes.

Submissions (2):

Illumina Laboratory Services, Illumina
Classification: Likely benign for Joubert syndrome 1. Last evaluated: 2017-04-27. Review status: criteria provided, single submitter. Criteria: ICSL Variant Classification Criteria 13 December 2019. Collection method: clinical testing. Allele origin: germline.
Comment: This variant was observed as part of a predisposition screen in an ostensibly healthy population. A literature search was performed for the gene, cDNA change, and amino acid change (where applicable). No publications were found based on this search. Allele frequency data from public databases allowed determination this variant is unlikely to cause disease. Therefore, this variant is classified as likely benign.

Breakthrough Genomics
Classification: Likely benign. Review status: criteria provided, single submitter. Criteria: ACMG Guidelines, 2015. Collection method: not provided. Allele origin: germline. Inheritance: Autosomal recessive inheritance. Affected: yes.

NM_019892.6(INPP5E):c.*926T>C

Gene: INPP5E (inositol polyphosphate-5-phosphatase E; minus strand). Cytogenetic location: 9q34.3.
Variant type: single nucleotide variant.
Coding change: c.*926T>C on transcript NM_019892.6 (MANE Select); 926 bases downstream of the stop codon, T replaced by C.
Molecular consequence: 3 prime UTR variant.
Genome position (GRCh38, 1-based): chr9:136,428,749, A>G on the plus strand (T>C on the coding strand, the complement: INPP5E is on the minus strand). VCF-style: chr9-136428749-A-G. GRCh37 (hg19) VCF-style: chr9-139323201-A-G.
Other names: c.*926T>C (NM_001318502.2).
Identifiers: ClinVar variation 365866 (VCV000365866.6), dbSNP rs1128877, ClinGen allele CA10626888.
Genomic context (GRCh38, chr9:136,428,749, plus strand): 5'-ATGTCCCTAGATTTTCACACATTCAAAGACTACATTTTTTCAAGAGATGGAATGGGACAC[A>G]AAGCAAGAATGAACGGTTCTATACTCTCGAAGAAAGAAACCCGGGACATGGTGGGGATCC-3'